The following is an entry in ClinVar:

NM_007194.4(CHEK2):c.1154G>A (p.Cys385Tyr)

Gene: CHEK2 (checkpoint kinase 2; minus strand). Cytogenetic location: 22q12.1.
Variant type: single nucleotide variant.
Coding change: c.1154G>A on transcript NM_007194.4 (MANE Select); coding-DNA position 1154, G replaced by A.
Protein change: p.Cys385Tyr; replaces cysteine 385 with tyrosine.
Molecular consequence: missense variant.
Genome position (GRCh38, 1-based): chr22:28,695,815, C>T on the plus strand (G>A on the coding strand, the complement: CHEK2 is on the minus strand). VCF-style: chr22-28695815-C-T. GRCh37 (hg19) VCF-style: chr22-29091803-C-T.
Other names: c.1283G>A, p.Cys428Tyr (NM_001005735.3); c.491G>A, p.Cys164Tyr (NM_001257387.3); c.953G>A, p.Cys318Tyr (NM_001349956.3); c.1067G>A, p.Cys356Tyr (NM_145862.3); short protein forms C385Y, C164Y, C356Y, C428Y, C318Y.
Identifiers: ClinVar variation 220179 (VCV000220179.23), dbSNP rs145324174, ClinGen allele CA348388.

ClinVar aggregate classification (germline): Uncertain significance. Review status: criteria provided, multiple submitters, no conflicts (2 of 4 stars). 7 submissions from 7 submitters: Uncertain significance (7). Last evaluated 2025-11-26.

Conditions:
CHEK2-related disorder.
Breast and/or ovarian cancer. Identifiers: MedGen CN221562.
Hereditary cancer-predisposing syndrome. Also called: Tumor predisposition; Neoplastic Syndromes, Hereditary; Hereditary Cancer Syndrome; Hereditary neoplastic syndrome. Identifiers: Orphanet 140162, MedGen C0027672, MeSH D009386, MONDO:0015356.
Familial cancer of breast. Also called: hereditary breast carcinoma; Hereditary breast cancer; BREAST CANCER, FAMILIAL. Identifiers: Orphanet 227535, MedGen C0346153, MONDO:0016419, OMIM 114480. Disease mechanism: loss of function.

Allele frequency attached by ClinVar (database versions not stated): gnomAD exomes below 0.00001 and 0.00001; ExAC 0.00001; gnomAD 0.00001; ESP Exome Variant Server 0.00008; 1000 Genomes Project 30x 0.00016; 1000 Genomes Project 0.00020.
gnomAD v4.1: 7 of 1,613,896 alleles (0.00043%); highest among the groups gnomAD compares: African/African-American, 0.0027%; no homozygotes.

Submissions (7):

Labcorp Genetics (formerly Invitae), Labcorp
Classification: Uncertain significance for Familial cancer of breast. Last evaluated: 2025-11-26. Review status: criteria provided, single submitter. Criteria: Invitae Variant Classification Sherloc (09022015). Collection method: clinical testing. Allele origin: germline.
Comment: This sequence change replaces cysteine, which is neutral and slightly polar, with tyrosine, which is neutral and polar, at codon 385 of the CHEK2 protein (p.Cys385Tyr). This variant is present in population databases (rs145324174, gnomAD 0.007%). This variant has not been reported in the literature in individuals affected with CHEK2-related conditions. ClinVar contains an entry for this variant (Variation ID: 220179). An algorithm developed to predict the effect of missense changes on protein structure and function (PolyPhen-2) suggests that this variant is likely to be disruptive. In summary, the available evidence is currently insufficient to determine the role of this variant in disease. Therefore, it has been classified as a Variant of Uncertain Significance.

Ambry Genetics
Classification: Uncertain significance for Hereditary cancer-predisposing syndrome. Last evaluated: 2025-10-30. Review status: criteria provided, single submitter. Criteria: Ambry Variant Classification Scheme 2023. Collection method: clinical testing. Allele origin: germline.
Comment: The p.C385Y variant (also known as c.1154G>A), located in coding exon 10 of the CHEK2 gene, results from a G to A substitution at nucleotide position 1154. The cysteine at codon 385 is replaced by tyrosine, an amino acid with highly dissimilar properties. This alteration was reported as functionally impaired in a study assessing CHEK2-complementation through quantification of KAP1 phosphorylation and CHK2 autophosphorylation in human RPE1-CHEK2-knockout cells (Stolarova L et al. Clin Cancer Res, 2023 Aug;29:3037-3050). This amino acid position is highly conserved in available vertebrate species. In addition, this alteration is predicted to be deleterious by in silico analysis. Since supporting evidence is limited at this time, the clinical significance of this alteration remains unclear.

Baylor Genetics
Classification: Uncertain significance for Familial cancer of breast. Last evaluated: 2023-08-30. Review status: criteria provided, single submitter. Criteria: ACMG Guidelines, 2015. Collection method: clinical testing. Allele origin: unknown.

PreventionGenetics, part of Exact Sciences
Classification: Uncertain significance for CHEK2-related condition. Last evaluated: 2023-08-25. Review status: criteria provided, single submitter. Criteria: ACMG Guidelines, 2015. Collection method: clinical testing. Allele origin: germline.
Comment: The CHEK2 c.1154G>A variant is predicted to result in the amino acid substitution p.Cys385Tyr. To our knowledge, this variant has not been reported in the literature. This variant is reported in 3 of ~251,000 alleles in gnomAD. It is interpreted as uncertain significance in ClinVar. At this time, the clinical significance of this variant is uncertain due to the absence of conclusive functional and genetic evidence.

GeneDx
Classification: Uncertain significance. Last evaluated: 2021-11-16. Review status: criteria provided, single submitter. Criteria: GeneDx Variant Classification Process June 2021. Collection method: clinical testing. Allele origin: germline. Affected: yes.
Comment: Not observed at significant frequency in large population cohorts (Lek 2016); In silico analysis supports that this missense variant has a deleterious effect on protein structure/function; Has not been previously published as pathogenic or benign to our knowledge; This variant is associated with the following publications: (PMID: 22419737, 19782031)

Blueprint Genetics
Classification: Uncertain significance. Last evaluated: 2021-07-30. Review status: criteria provided, single submitter. Criteria: ACMG Guidelines, 2015. Collection method: clinical testing. Allele origin: germline.

CHEO Genetics Diagnostic Laboratory, Children's Hospital of Eastern Ontario
Classification: Uncertain significance for Breast and/or ovarian cancer. Last evaluated: 2021-01-04. Review status: criteria provided, single submitter. Criteria: ACMG Guidelines, 2015. Collection method: clinical testing. Allele origin: germline.

Literature cited by the submitters: PubMed 37449874 (cited by Ambry Genetics).